The following is an entry in ClinVar:

NM_013266.4(CTNNA3):c.770A>G (p.Gln257Arg)

Gene: CTNNA3 (catenin alpha 3; minus strand). Cytogenetic location: 10q21.3.
Variant type: single nucleotide variant.
Coding change: c.770A>G on transcript NM_013266.4 (MANE Select); coding-DNA position 770, A replaced by G.
Protein change: p.Gln257Arg; replaces glutamine 257 with arginine.
Molecular consequence: missense variant.
Genome position (GRCh38, 1-based): chr10:67,219,680, T>C on the plus strand (A>G on the coding strand, the complement: CTNNA3 is on the minus strand). VCF-style: chr10-67219680-T-C. GRCh37 (hg19) VCF-style: chr10-68979438-T-C.
Other names: c.770A>G, p.Gln257Arg (NM_001127384.3); c.806A>G, p.Gln269Arg (NM_001291133.2); c.770A>G (NM_013266.2); short protein forms Q257R, Q269R.
Identifiers: ClinVar variation 1350311 (VCV001350311.8), dbSNP rs767234618, ClinGen allele CA5520505.
Genomic context (GRCh38, chr10:67,219,680, plus strand): 5'-AGGGCACTTCCCAGGGTTGCTGCCTGAGGTTCTGGTGGGGTTGTCATATTCTGGATCCCT[T>C]GTGAAGCATTTGAAATTACATTGAGAGCATTCTGAATTTCTTCACAAACTGTGTCCTTGC-3'
Protein context (NP_037398.2, residues 247-267): NALNVISNAS[Gln257Arg]GIQNMTTPPE

ClinVar aggregate classification (germline): Conflicting classifications of pathogenicity. Review status: criteria provided, conflicting classifications (1 of 4 stars). 3 submissions from 3 submitters: Uncertain significance (2); Likely benign (1). Last evaluated 2025-06-30.

Conditions:
Arrhythmogenic right ventricular dysplasia 13. Also called: ARRHYTHMOGENIC RIGHT VENTRICULAR CARDIOMYOPATHY 13; Arrhythmogenic right ventricular dysplasia, familial, 13. Identifiers: MedGen C3810138, MONDO:0000908, OMIM 615616.

Allele frequency attached by ClinVar (database versions not stated): gnomAD 0.00001; TOPMed 0.00002; gnomAD exomes 0.00005; ExAC 0.00008.

Submissions (3):

Women's Health and Genetics/Laboratory Corporation of America, LabCorp
Classification: Likely benign. Last evaluated: 2025-06-30. Review status: criteria provided, single submitter. Criteria: LabCorp Variant Classification Summary - May 2015. Collection method: clinical testing. Allele origin: germline.

Labcorp Genetics (formerly Invitae), Labcorp
Classification: Uncertain significance for Arrhythmogenic right ventricular dysplasia 13. Last evaluated: 2025-04-26. Review status: criteria provided, single submitter. Criteria: Invitae Variant Classification Sherloc (09022015). Collection method: clinical testing. Allele origin: germline.
Comment: This sequence change replaces glutamine, which is neutral and polar, with arginine, which is basic and polar, at codon 257 of the CTNNA3 protein (p.Gln257Arg). This variant is present in population databases (rs767234618, gnomAD 0.03%). This variant has not been reported in the literature in individuals affected with CTNNA3-related conditions. ClinVar contains an entry for this variant (Variation ID: 1350311). Invitae Evidence Modeling of protein sequence and biophysical properties (such as structural, functional, and spatial information, amino acid conservation, physicochemical variation, residue mobility, and thermodynamic stability) indicates that this missense variant is not expected to disrupt CTNNA3 protein function with a negative predictive value of 80%. In summary, the available evidence is currently insufficient to determine the role of this variant in disease. Therefore, it has been classified as a Variant of Uncertain Significance.

Ambry Genetics
Classification: Uncertain significance. Last evaluated: 2023-11-30. Review status: criteria provided, single submitter. Criteria: Ambry Variant Classification Scheme 2023. Collection method: clinical testing. Allele origin: germline.
Comment: The p.Q257R variant (also known as c.770A>G), located in coding exon 5 of the CTNNA3 gene, results from an A to G substitution at nucleotide position 770. The glutamine at codon 257 is replaced by arginine, an amino acid with highly similar properties. This amino acid position is conserved. In addition, this alteration is predicted to be tolerated by in silico analysis. Since supporting evidence is limited at this time, the clinical significance of this alteration remains unclear.